The following is an entry in ClinVar:

ClinVar aggregate classification (germline): Uncertain significance (1 of 4 stars; one submission).

gnomAD v4.1: 1 of 1,613,722 alleles (0.000062%); highest among the groups gnomAD compares: Non-Finnish European, 0.000085%; no homozygotes.

Submission:

Athena Diagnostics
Classification: Uncertain significance. Last evaluated: 2025-08-25. Review status: criteria provided, single submitter. Criteria: Athena Diagnostics Criteria. Collection method: clinical testing. Allele origin: unknown.
Comment: Available data are insufficient to determine the clinical significance of the variant at this time. This variant has not been reported in large, multi-ethnic general populations. Polyphen and MutationTaster predict this amino acid change may be damaging to the protein.

NM_144599.5(NIPA1):c.254T>C (p.Leu85Pro)

Gene: NIPA1 (NIPA magnesium transporter 1; plus strand). Cytogenetic location: 15q11.2.
Variant type: single nucleotide variant.
Coding change: c.254T>C on transcript NM_144599.5 (MANE Select); coding-DNA position 254, T replaced by C.
Protein change: p.Leu85Pro; replaces leucine 85 with proline.
Molecular consequence: missense variant.
Genome position (GRCh38, 1-based): chr15:22,812,190, T>C. VCF-style: chr15-22812190-T-C. GRCh37 (hg19) VCF-style: chr15-23060878-A-G.
Other names: c.29T>C, p.Leu10Pro (NM_001142275.1); short protein forms L10P, L85P.
Identifiers: ClinVar variation 4682188 (VCV004682188.1).
Genomic context (GRCh38, chr15:22,812,190, plus strand): 5'-TTGCAAGTAGTATCCTTGTGATTTTCTTGACAGTGGCTGTTGGCCAGATTGGAAACTTCC[T>C]GGCTTACACGGCGGTCCCCACGGTCCTGGTAACCCCCCTGGGCGCCCTTGGAGTACCGTT-3'
Protein context (NP_653200.2, residues 75-95): AMAVGQIGNF[Leu85Pro]AYTAVPTVLV